The following is an entry in ClinVar:

NM_007294.4(BRCA1):c.4306T>G (p.Ser1436Ala)

Gene: BRCA1 (BRCA1 DNA repair associated; minus strand). Cytogenetic location: 17q21.31.
Variant type: single nucleotide variant.
Coding change: c.4306T>G on transcript NM_007294.4 (MANE Select); coding-DNA position 4306, T replaced by G.
Protein change: p.Ser1436Ala; replaces serine 1436 with alanine.
Molecular consequence: missense variant.
Genome position (GRCh38, 1-based): chr17:43,082,455, A>C on the plus strand (T>G on the coding strand, the complement: BRCA1 is on the minus strand). VCF-style: chr17-43082455-A-C. GRCh37 (hg19) VCF-style: chr17-41234472-A-C.
Other names: c.880T>G, p.Ser294Ala (NM_001408418.1, NM_001408419.1, NM_001408420.1 and 2 more transcripts); c.877T>G, p.Ser293Ala (NM_001408421.1, NM_001408424.1, NM_001408431.1); c.874T>G, p.Ser292Ala (NM_001408425.1, NM_001408426.1, NM_001408427.1 and 8 more transcripts); c.3799T>G, p.Ser1267Ala (NM_001407965.1); c.3418T>G, p.Ser1140Ala (NM_001407966.1, NM_001407967.1); c.1702T>G, p.Ser568Ala (NM_001407968.1); c.1699T>G, p.Ser567Ala (NM_001407969.1); c.997T>G, p.Ser333Ala (NM_001407970.1, NM_001407971.1, NM_001407973.1 and 8 more transcripts); and 51 more; short protein forms S1140A, S1267A, S1308A, S1309A, S1323A, S1324A, S1325A, S1346A.
Identifiers: ClinVar variation 4867705 (VCV004867705.1).

ClinVar aggregate classification (germline): Uncertain significance (1 of 4 stars; one submission).

Conditions:
Hereditary cancer-predisposing syndrome. Also called: Neoplastic Syndromes, Hereditary; Tumor predisposition; Hereditary Cancer Syndrome; Hereditary neoplastic syndrome. Identifiers: Orphanet 140162, MedGen C0027672, MeSH D009386, MONDO:0015356.

Submission:

Ambry Genetics
Classification: Uncertain significance for Hereditary cancer-predisposing syndrome. Last evaluated: 2026-03-30. Review status: criteria provided, single submitter. Criteria: Ambry Variant Classification Scheme 2023. Collection method: clinical testing. Allele origin: germline.
Comment: The p.S1436A variant (also known as c.4306T>G), located in coding exon 11 of the BRCA1 gene, results from a T to G substitution at nucleotide position 4306. The serine at codon 1436 is replaced by alanine, an amino acid with similar properties. This amino acid position is conserved. In addition, this alteration is predicted to be tolerated by in silico analysis. Based on the available evidence, the clinical significance of this variant remains unclear.